The following is an entry in ClinVar:

NM_000465.4(BARD1):c.12_26dup (p.4_8NRQPR[3])

Gene: BARD1 (BRCA1 associated RING domain 1; minus strand). Cytogenetic location: 2q35.
Variant type: Duplication.
Coding change: c.12_26dup on transcript NM_000465.4 (MANE Select); coding-DNA positions 12 to 26, 15 bases duplicated (TCGGCAGCCGAGGAA).
Protein change: p.4_8NRQPR[3].
Molecular consequence: inframe insertion. On other transcripts: non-coding transcript variant (3).
Genome position (GRCh38, 1-based): chr2:214,809,544-214,809,558, TTCCTCGGCTGCCGA duplicated on the plus strand (TCGGCAGCCGAGGAA on the coding strand, the reverse complement: BARD1 is on the minus strand); duplicating any 15 consecutive bases within chr2:214,809,544-214,809,560 gives the same sequence; the c. name uses the placement nearest the transcript's 3' end. VCF-style (leftmost placement, unchanged base first): chr2-214809543-G-GTTCCTCGGCTGCCGA. GRCh37 (hg19) VCF-style: chr2-215674267-G-GTTCCTCGGCTGCCGA.
Other names: c.12_26dup, p.4_8NRQPR[3] (NM_001282543.2, NM_001282545.2, NM_001282548.2 and 1 more transcripts).
Identifiers: ClinVar variation 818571 (VCV000818571.4), dbSNP rs1574870052, ClinGen allele CA915941677.
Genomic context (GRCh38, chr2:214,809,543, plus strand): 5'-ATCCGGTTCCATGGCGGGCGCGGAACGAGGCTCGTTCCCGGAGCGGATCCTCGGCTGCCG[G>GTTCCTCGGCTGCCGA]TTCCTCGGCTGCCGATTATCCGGCATCGTCCCGCCTTCGGATGAAAGGCTCCTCGCAGAG-3'

ClinVar aggregate classification (germline): Uncertain significance (1 of 4 stars; one submission).

Conditions:
Hereditary cancer-predisposing syndrome. Also called: Tumor predisposition; Hereditary neoplastic syndrome; Neoplastic Syndromes, Hereditary; Hereditary Cancer Syndrome. Identifiers: Orphanet 140162, MedGen C0027672, MeSH D009386, MONDO:0015356.

Submission:

Ambry Genetics
Classification: Uncertain significance for Hereditary cancer-predisposing syndrome. Last evaluated: 2019-07-05. Review status: criteria provided, single submitter. Criteria: Ambry Variant Classification Scheme 2023. Collection method: clinical testing. Allele origin: germline.
Comment: The c.12_26dup15 variant (also known as p.R13_I14insRQPRN), located in coding exon 1 of the BARD1 gene, results from an in-frame duplication of 15 nucleotides at nucleotide positions 12 to 26. This results in the duplication of 5 extra residues (RQPRN) between codons 13 and 14. This nucleotide region is well conserved in available vertebrate species. Since supporting evidence is limited at this time, the clinical significance of this alteration remains unclear.